The following is an entry in ClinVar:

NM_002578.5(PAK3):c.98A>G (p.Lys33Arg)

Gene: PAK3 (p21 (RAC1) activated kinase 3; plus strand). Cytogenetic location: Xq23.
Variant type: single nucleotide variant.
Coding change: c.98A>G on transcript NM_002578.5 (MANE Select); coding-DNA position 98, A replaced by G.
Protein change: p.Lys33Arg; replaces lysine 33 with arginine.
Molecular consequence: missense variant. On other transcripts: non-coding transcript variant (9).
Genome position (GRCh38, 1-based): chrX:111,123,201, A>G. VCF-style: chrX-111123201-A-G. GRCh37 (hg19) VCF-style: chrX-110366429-A-G.
Other names: c.98A>G, p.Lys33Arg (NM_001128166.3, NM_001128167.3, NM_001128168.3 and 12 more transcripts); short protein forms K33R.
Identifiers: ClinVar variation 5009212 (VCV005009212.1).

ClinVar aggregate classification (germline): Uncertain significance (1 of 4 stars; one submission).

gnomAD v4.1: 1 of 1,207,158 alleles (0.000083%); highest among the groups gnomAD compares: East Asian, 0.003%; no homozygotes.

Submission:

GeneDx
Classification: Uncertain significance. Last evaluated: 2026-03-20. Review status: criteria provided, single submitter. Criteria: GeneDx Variant Classification Process June 2021. Collection method: clinical testing. Allele origin: germline.
Comment: In silico analysis suggests that this missense variant does not alter protein structure/function; Has not been previously published as pathogenic or benign to our knowledge